The following is an entry in ClinVar:

NM_000238.4(KCNH2):c.100del (p.Ala34fs)

Gene: KCNH2 (potassium voltage-gated channel subfamily H member 2; minus strand). Cytogenetic location: 7q36.1.
Variant type: Deletion.
Coding change: c.100del on transcript NM_000238.4 (MANE Select); coding-DNA position 100, one base deleted (G; older notation c.100delG).
Protein change: p.Ala34fs; shifts the reading frame from alanine 34.
Molecular consequence: frameshift variant.
Genome position (GRCh38, 1-based): chr7:150,974,918, C deleted on the plus strand (G on the coding strand, the reverse complement: KCNH2 is on the minus strand). VCF-style (leftmost placement, unchanged base first): chr7-150974917-GC-G. GRCh37 (hg19) VCF-style: chr7-150672005-GC-G.
Other names: c.-78delG (NM_001406755.1); c.100delG, p.Ala34Leufs (NM_172056.3); short protein forms A34fs.
Identifiers: ClinVar variation 200805 (VCV000200805.14), dbSNP rs794728506, ClinGen allele CA004165.
Genomic context (GRCh38, chr7:150,974,917, plus strand): 5'-TAGCCGCACAGCTCGCAGAAGCCGTCGTTGCAGTAGATGACGGCGCAGTTCTCCACCCGA[GC>G]GTTGGCGATGATGAACTTACGGCCTAGGGGGGCGGGGAGGAGAGTGCGCGTGAGCGGGGA-3'

ClinVar aggregate classification (germline): Pathogenic. Review status: criteria provided, multiple submitters, no conflicts (2 of 4 stars). 3 submissions from 3 submitters: Pathogenic (3). Last evaluated 2024-07-27.

Conditions:
Cardiac arrhythmia. Also called: Cardiac rhythm disease; Arrhythmia. Identifiers: MedGen C0003811, MONDO:0007263, HP:0011675.
Long QT syndrome (LQTS). Identifiers: MedGen C0023976, MeSH D008133, MONDO:0002442. Disease mechanism: loss of function. Inheritance: Various modes of inheritance.
Cardiovascular phenotype. Identifiers: MedGen CN230736.

Submissions (3):

Labcorp Genetics (formerly Invitae), Labcorp
Classification: Pathogenic for Long QT syndrome. Last evaluated: 2024-07-27. Review status: criteria provided, single submitter. Criteria: Invitae Variant Classification Sherloc (09022015). Collection method: clinical testing. Allele origin: germline.
Comment: This sequence change creates a premature translational stop signal (p.Ala34Leufs*26) in the KCNH2 gene. It is expected to result in an absent or disrupted protein product. Loss-of-function variants in KCNH2 are known to be pathogenic (PMID: 10973849, 19862833). This variant is not present in population databases (gnomAD no frequency). This premature translational stop signal has been observed in individual(s) with clinical features of long QT syndrome (PMID: 19716085). ClinVar contains an entry for this variant (Variation ID: 200805). For these reasons, this variant has been classified as Pathogenic.

Ambry Genetics
Classification: Pathogenic for Cardiovascular phenotype. Last evaluated: 2019-02-12. Review status: criteria provided, single submitter. Criteria: Ambry Variant Classification Scheme 2023. Collection method: clinical testing. Allele origin: germline.
Comment: The c.100delG pathogenic mutation, located in coding exon 2 of the KCNH2 gene, results from a deletion of one nucleotide at nucleotide position 100, causing a translational frameshift with a predicted alternate stop codon (p.A34Lfs*26). In a study of long QT syndrome clinical genetic testing, this alteration was reported in one patient; however, clinical details were limited (Kapplinger JD et al. Heart Rhythm, 2009 Sep;6:1297-303). In addition to the clinical data presented in the literature, this alteration is expected to result in loss of function by premature protein truncation or nonsense-mediated mRNA decay. As such, this alteration is interpreted as a disease-causing mutation.

GeneDx
Classification: Pathogenic for Cardiac arrhythmia. Last evaluated: 2011-10-16. Review status: criteria provided, single submitter. Criteria: GeneDx Variant Classification (06012015). Collection method: clinical testing. Allele origin: germline. Affected: yes.
Comment: The c.100delG mutation in the KCNH2 gene has been reported previously in association with LQTS, and this mutation was absent from 2,600 control alleles. The c.100delG mutation causes a shift in reading frame starting at codon Alanine 34, changing it to a Leucine, and creates a premature stop codon at position 26 of the new reading frame, denoted p.Ala34LeufsX26. This mutation is expected to result in an abnormal, truncated protein or in absence of protein from this allele due to mRNA decay. The variant is found in LQT panel(s).

Literature cited by the submitters: PubMed 10973849 (cited by Labcorp Genetics (formerly Invitae), Labcorp); PubMed 19862833 (cited by Labcorp Genetics (formerly Invitae), Labcorp); PubMed 19716085 (cited by Labcorp Genetics (formerly Invitae), Labcorp and Ambry Genetics).